The following is an entry in ClinVar:

ClinVar aggregate classification (germline): Uncertain significance. Review status: criteria provided, multiple submitters, no conflicts (2 of 4 stars). 2 submissions from 2 submitters: Uncertain significance (2). Last evaluated 2022-07-02.

Conditions:
DICER1-related tumor predisposition. Also called: DICER1-related pleuropulmonary blastoma cancer predisposition syndrome; DICER1 syndrome. Identifiers: Orphanet 284343, MedGen C3839822, MONDO:0100216.
Hereditary cancer-predisposing syndrome. Also called: Tumor predisposition; Neoplastic Syndromes, Hereditary; Hereditary Cancer Syndrome; Hereditary neoplastic syndrome. Identifiers: Orphanet 140162, MedGen C0027672, MeSH D009386, MONDO:0015356.

Submissions (2):

Labcorp Genetics (formerly Invitae), Labcorp
Classification: Uncertain significance for DICER1-related tumor predisposition. Last evaluated: 2022-07-02. Review status: criteria provided, single submitter. Criteria: Invitae Variant Classification Sherloc (09022015). Collection method: clinical testing. Allele origin: germline.
Comment: Algorithms developed to predict the effect of missense changes on protein structure and function are either unavailable or do not agree on the potential impact of this missense change (SIFT: "Tolerated"; PolyPhen-2: "Probably Damaging"; Align-GVGD: "Class C0"). This variant has not been reported in the literature in individuals affected with DICER1-related conditions. This variant is not present in population databases (gnomAD no frequency). This sequence change replaces serine, which is neutral and polar, with glycine, which is neutral and non-polar, at codon 475 of the DICER1 protein (p.Ser475Gly). In summary, the available evidence is currently insufficient to determine the role of this variant in disease. Therefore, it has been classified as a Variant of Uncertain Significance.

Ambry Genetics
Classification: Uncertain significance for Hereditary cancer-predisposing syndrome. Last evaluated: 2020-09-09. Review status: criteria provided, single submitter. Criteria: Ambry Variant Classification Scheme 2023. Collection method: clinical testing. Allele origin: germline.
Comment: The p.S475G variant (also known as c.1423A>G), located in coding exon 8 of the DICER1 gene, results from an A to G substitution at nucleotide position 1423. The serine at codon 475 is replaced by glycine, an amino acid with similar properties. This amino acid position is highly conserved in available vertebrate species. In addition, the in silico prediction for this alteration is inconclusive. Since supporting evidence is limited at this time, the clinical significance of this alteration remains unclear.

NM_177438.3(DICER1):c.1423A>G (p.Ser475Gly)

Gene: DICER1 (dicer 1, ribonuclease III; minus strand). Cytogenetic location: 14q32.13.
Variant type: single nucleotide variant.
Coding change: c.1423A>G on transcript NM_177438.3 (MANE Select); coding-DNA position 1423, A replaced by G.
Protein change: p.Ser475Gly; replaces serine 475 with glycine.
Molecular consequence: missense variant. On other transcripts: 5 prime UTR variant (1), non-coding transcript variant (6).
Genome position (GRCh38, 1-based): chr14:95,117,708, T>C on the plus strand (A>G on the coding strand, the complement: DICER1 is on the minus strand). VCF-style: chr14-95117708-T-C. GRCh37 (hg19) VCF-style: chr14-95584045-T-C.
Other names: c.1423A>G, p.Ser475Gly (NM_001195573.1, NM_001271282.3, NM_001291628.2 and 13 more transcripts); c.1141A>G, p.Ser381Gly (NM_001395686.1); c.1018A>G, p.Ser340Gly (NM_001395687.1, NM_001395688.1, NM_001395689.1 and 3 more transcripts); c.856A>G, p.Ser286Gly (NM_001395691.1); c.-146A>G (NM_001395697.1); short protein forms S340G, S381G, S475G, S286G.
Identifiers: ClinVar variation 1772302 (VCV001772302.7), dbSNP rs1060503594, ClinGen allele CA390885605.
Genomic context (GRCh38, chr14:95,117,708, plus strand): 5'-CCATCTGTTTGTTGCGAGGCTGATTCTTCCCAATGCCATGTCCAGTTATGAAATTGCTAC[T>C]GATATAAGCCAGCTCTGGATCTTGTTTGCCAGCTTCCTTTATCAATCTAAGAAAATTATA-3'
Protein context (NP_803187.1, residues 465-485): GKQDPELAYI[Ser475Gly]SNFITGHGIG